The following is an entry in ClinVar:

ClinVar aggregate classification (germline): Uncertain significance (1 of 4 stars; one submission).

Submission:

GeneDx
Classification: Uncertain significance. Last evaluated: 2025-08-12. Review status: criteria provided, single submitter. Criteria: GeneDx Variant Classification Process June 2021. Collection method: clinical testing. Allele origin: germline. Affected: yes.
Comment: Not observed at significant frequency in large population cohorts (gnomAD); In silico analysis supports that this missense variant has a deleterious effect on protein structure/function; Has not been previously published as pathogenic or benign to our knowledge

NM_170606.3(KMT2C):c.3863G>T (p.Arg1288Leu)

Gene: KMT2C (lysine methyltransferase 2C; minus strand). Cytogenetic location: 7q36.1.
Variant type: single nucleotide variant.
Coding change: c.3863G>T on transcript NM_170606.3 (MANE Select); coding-DNA position 3863, G replaced by T.
Protein change: p.Arg1288Leu; replaces arginine 1288 with leucine.
Molecular consequence: missense variant.
Genome position (GRCh38, 1-based): chr7:152,205,204, C>A on the plus strand (G>T on the coding strand, the complement: KMT2C is on the minus strand). VCF-style: chr7-152205204-C-A. GRCh37 (hg19) VCF-style: chr7-151902289-C-A.
Other names: short protein forms R1288L.
Identifiers: ClinVar variation 4795656 (VCV004795656.1).
Genomic context (GRCh38, chr7:152,205,204, plus strand): 5'-GAGGAATCTTTTCTGATCACAGATCTTTTGGTTTTCCCTTGCCCAGTTCGACTTCTTTGC[C>A]GCACCATAAATCCACCAATACCTATCCAAAAAAGAAATTAGGTAAACTGATAAGTAATTT-3'
Protein context (NP_733751.2, residues 1278-1298): YRPGIGGFMV[Arg1288Leu]QRSRTGQGKT